The following is an entry in ClinVar:

NM_001031725.6(DDX59):c.1633G>A (p.Ala545Thr)

Gene: DDX59 (DEAD-box helicase 59; minus strand). Cytogenetic location: 1q32.1.
Variant type: single nucleotide variant.
Coding change: c.1633G>A on transcript NM_001031725.6 (MANE Select); coding-DNA position 1633, G replaced by A.
Protein change: p.Ala545Thr; replaces alanine 545 with threonine.
Molecular consequence: missense variant. On other transcripts: intron variant (2).
Genome position (GRCh38, 1-based): chr1:200,644,481, C>T on the plus strand (G>A on the coding strand, the complement: DDX59 is on the minus strand). VCF-style: chr1-200644481-C-T. GRCh37 (hg19) VCF-style: chr1-200613609-C-T.
Other names: c.1291G>A, p.Ala431Thr (NM_001320182.1); c.1633G>A, p.Ala545Thr (NM_001349799.3, NM_001349800.3); c.1504G>A, p.Ala502Thr (NM_001349801.3); c.1381G>A, p.Ala461Thr (NM_001349803.3); c.1099G>A, p.Ala367Thr (NM_001349804.2); c.1597-3296G>A (NM_001349802.3); c.1597-3225G>A (NM_001320181.2); short protein forms A461T, A502T, A367T, A545T, A431T.
Identifiers: ClinVar variation 1898627 (VCV001898627.5), dbSNP rs180765822, ClinGen allele CA1318216.
Genomic context (GRCh38, chr1:200,644,481, plus strand): 5'-TTACTCGTTTTGCAATATCCCAGAAGAGTCTTTTTGAATTATTATTGATGAAAGTAATCG[C>T]TGTTCCATTTTGACCTAATCTTCCTACTCTTCCAATCTGAAATAAAATGCAAAGAACATT-3'
Protein context (NP_001026895.2, residues 535-555): RVGRLGQNGT[Ala545Thr]ITFINNNSKR

ClinVar aggregate classification (germline): Uncertain significance (1 of 4 stars; one submission).

Allele frequency attached by ClinVar (database versions not stated): gnomAD exomes 0.00001; TOPMed 0.00002; ExAC 0.00003; gnomAD 0.00003; 1000 Genomes Project 0.00040; 1000 Genomes Project 30x 0.00047.
gnomAD v4.1: 18 of 1,597,932 alleles (0.0011%); highest among the groups gnomAD compares: Admixed American, 0.019%; no homozygotes.

Submission:

Labcorp Genetics (formerly Invitae), Labcorp
Classification: Uncertain significance. Last evaluated: 2021-12-25. Review status: criteria provided, single submitter. Criteria: Invitae Variant Classification Sherloc (09022015). Collection method: clinical testing. Allele origin: germline.
Comment: In summary, the available evidence is currently insufficient to determine the role of this variant in disease. Therefore, it has been classified as a Variant of Uncertain Significance. Algorithms developed to predict the effect of missense changes on protein structure and function are either unavailable or do not agree on the potential impact of this missense change (SIFT: "Not Available"; PolyPhen-2: "Possibly Damaging"; Align-GVGD: "Not Available"). This variant has not been reported in the literature in individuals affected with DDX59-related conditions. This variant is present in population databases (rs180765822, gnomAD 0.02%). This sequence change replaces alanine, which is neutral and non-polar, with threonine, which is neutral and polar, at codon 545 of the DDX59 protein (p.Ala545Thr).